The following is an entry in ClinVar:

NM_002618.4(PEX13):c.589C>T (p.Arg197Trp)

Gene: PEX13 (peroxisomal biogenesis factor 13; plus strand). Cytogenetic location: 2p15.
Variant type: single nucleotide variant.
Coding change: c.589C>T on transcript NM_002618.4 (MANE Select); coding-DNA position 589, C replaced by T.
Protein change: p.Arg197Trp; replaces arginine 197 with tryptophan.
Molecular consequence: missense variant.
Genome position (GRCh38, 1-based): chr2:61,031,915, C>T. VCF-style: chr2-61031915-C-T. GRCh37 (hg19) VCF-style: chr2-61259050-C-T.
Other names: c.589C>T (NM_002618.3); short protein forms R197W.
Identifiers: ClinVar variation 999729 (VCV000999729.9), dbSNP rs903847229, ClinGen allele CA48342477.

ClinVar aggregate classification (germline): Conflicting classifications of pathogenicity. Review status: criteria provided, conflicting classifications (1 of 4 stars). 3 submissions from 3 submitters: Uncertain significance (2); Likely benign (1). Last evaluated 2023-08-17.

Conditions:
Peroxisome biogenesis disorder 11A (Zellweger). Also called: Peroxisome biogenesis disorder 11A. Identifiers: Orphanet 912, MedGen C3554000, MONDO:0013949, OMIM 614883.
Peroxisome biogenesis disorder 11B (PBD11B). Identifiers: Orphanet 44, MedGen C3554001, MONDO:0013950, OMIM 614885.
Inborn genetic diseases. Identifiers: MedGen C0950123, MeSH D030342.

Allele frequency attached by ClinVar (database versions not stated): gnomAD exomes 0.00001; gnomAD 0.00002; TOPMed 0.00002.
gnomAD v4.1: 23 of 1,613,764 alleles (0.0014%); highest among the groups gnomAD compares: African/African-American, 0.0067%; no homozygotes.

Submissions (3):

Labcorp Genetics (formerly Invitae), Labcorp
Classification: Uncertain significance for Peroxisome biogenesis disorder 11A (Zellweger). Last evaluated: 2023-08-17. Review status: criteria provided, single submitter. Criteria: Invitae Variant Classification Sherloc (09022015). Collection method: clinical testing. Allele origin: germline.
Comment: In summary, the available evidence is currently insufficient to determine the role of this variant in disease. Therefore, it has been classified as a Variant of Uncertain Significance. Advanced modeling of protein sequence and biophysical properties (such as structural, functional, and spatial information, amino acid conservation, physicochemical variation, residue mobility, and thermodynamic stability) performed at Invitae indicates that this missense variant is not expected to disrupt PEX13 protein function. ClinVar contains an entry for this variant (Variation ID: 999729). This variant has not been reported in the literature in individuals affected with PEX13-related conditions. This variant is present in population databases (no rsID available, gnomAD 0.01%). This sequence change replaces arginine, which is basic and polar, with tryptophan, which is neutral and slightly polar, at codon 197 of the PEX13 protein (p.Arg197Trp).

Fulgent Genetics
Classification: Uncertain significance for Peroxisome biogenesis disorder 11A (Zellweger); Peroxisome biogenesis disorder 11B. Last evaluated: 2022-02-23. Review status: criteria provided, single submitter. Criteria: ACMG Guidelines, 2015. Collection method: clinical testing. Allele origin: unknown.

Ambry Genetics
Classification: Likely benign for Inborn genetic diseases. Last evaluated: 2022-02-10. Review status: criteria provided, single submitter. Criteria: Ambry Variant Classification Scheme 2023. Collection method: clinical testing. Allele origin: germline.